The following is an entry in ClinVar:

ClinVar aggregate classification (germline): Likely benign (1 of 4 stars; one submission).

Conditions:
Familial cancer of breast. Also called: BREAST CANCER, FAMILIAL; Hereditary breast cancer; hereditary breast carcinoma. Identifiers: Orphanet 227535, MedGen C0346153, MONDO:0016419, OMIM 114480. Disease mechanism: loss of function.

Submission:

Myriad Genetics, Inc.
Classification: Likely benign for Familial cancer of breast. Last evaluated: 2024-05-21. Review status: criteria provided, single submitter. Criteria: Myriad Autosomal Dominant, Autosomal Recessive and X-Linked Classification Criteria (2023). Collection method: clinical testing. Allele origin: unknown.
Comment: This variant is considered likely benign. This variant is intronic and is not expected to impact mRNA splicing.

NM_000051.4(ATM):c.5006-12T>C

Gene: ATM (ATM serine/threonine kinase; plus strand). Cytogenetic location: 11q22.3.
Variant type: single nucleotide variant.
Coding change: c.5006-12T>C on transcript NM_000051.4 (MANE Select); 12 bases into the intron before coding-DNA position 5006, T replaced by C.
Molecular consequence: intron variant.
Genome position (GRCh38, 1-based): chr11:108,299,702, T>C. VCF-style: chr11-108299702-T-C. GRCh37 (hg19) VCF-style: chr11-108170429-T-C.
Other names: c.5006-12T>C (NM_001351834.2).
Identifiers: ClinVar variation 3253898 (VCV003253898.1), dbSNP rs2083315314.